The following is an entry in ClinVar:

NM_024312.5(GNPTAB):c.3515A>T (p.Tyr1172Phe)

Gene: GNPTAB (N-acetylglucosamine-1-phosphate transferase subunits alpha and beta; minus strand). Cytogenetic location: 12q23.2.
Variant type: single nucleotide variant.
Coding change: c.3515A>T on transcript NM_024312.5 (MANE Select); coding-DNA position 3515, A replaced by T.
Protein change: p.Tyr1172Phe; replaces tyrosine 1172 with phenylalanine.
Molecular consequence: missense variant.
Genome position (GRCh38, 1-based): chr12:101,753,459, T>A on the plus strand (A>T on the coding strand, the complement: GNPTAB is on the minus strand). VCF-style: chr12-101753459-T-A. GRCh37 (hg19) VCF-style: chr12-102147237-T-A.
Other names: short protein forms Y1172F.
Identifiers: ClinVar variation 990624 (VCV000990624.4), dbSNP rs149859473, ClinGen allele CA6746132.

ClinVar aggregate classification (germline): Uncertain significance. Review status: criteria provided, single submitter (1 of 4 stars). 2 submissions from 2 submitters: Uncertain significance (1). 1 of the submissions does not count toward it. Last evaluated 2025-01-14.

Conditions:
Mucolipidosis type II. Also called: Mucolipidosis 2; ML 2; Inclusion cell disease; Leroy Disease; N-acetylglucosamine 1phosphotransferase deficiency; ML disorder type 2. Identifiers: Orphanet 576, MedGen C2673377, MONDO:0009650, OMIM 252500.
Pseudo-Hurler polydystrophy. Also called: ML IIIA; Mucolipidosis III Alpha/Beta; MUCOLIPIDOSIS IIIA; ML III; ML III ALPHA/BETA; Type III Mucolipidosis. Identifiers: Orphanet 423461, Orphanet 577, MedGen C0033788, MONDO:0018931, OMIM 252600.

Allele frequency attached by ClinVar (database versions not stated): TOPMed 0.00006; 1000 Genomes Project 0.00040; 1000 Genomes Project 30x 0.00062.
gnomAD v4.1: 46 of 1,613,718 alleles (0.0029%); highest among the groups gnomAD compares: Admixed American, 0.06%; no homozygotes.

Submissions (2):

Labcorp Genetics (formerly Invitae), Labcorp
Classification: Uncertain significance for Pseudo-Hurler polydystrophy; Mucolipidosis type II. Last evaluated: 2025-01-14. Review status: criteria provided, single submitter. Criteria: Invitae Variant Classification Sherloc (09022015). Collection method: clinical testing. Allele origin: germline.
Comment: This sequence change replaces tyrosine, which is neutral and polar, with phenylalanine, which is neutral and non-polar, at codon 1172 of the GNPTAB protein (p.Tyr1172Phe). This variant is present in population databases (rs149859473, gnomAD 0.006%). This variant has not been reported in the literature in individuals affected with GNPTAB-related conditions. ClinVar contains an entry for this variant (Variation ID: 990624). Invitae Evidence Modeling of protein sequence and biophysical properties (such as structural, functional, and spatial information, amino acid conservation, physicochemical variation, residue mobility, and thermodynamic stability) indicates that this missense variant is expected to disrupt GNPTAB protein function with a positive predictive value of 80%. In summary, the available evidence is currently insufficient to determine the role of this variant in disease. Therefore, it has been classified as a Variant of Uncertain Significance.

Natera, Inc.
Classification: Uncertain significance for Mucolipidosis type II. Last evaluated: 2020-04-17. Review status: no assertion criteria provided. Collection method: clinical testing. Allele origin: germline. Not counted in ClinVar's aggregate classification.